The following is an entry in ClinVar:

NM_000489.6(ATRX):c.2116A>T (p.Ser706Cys)

Gene: ATRX (ATRX chromatin remodeler; minus strand). Cytogenetic location: Xq21.1.
Variant type: single nucleotide variant.
Coding change: c.2116A>T on transcript NM_000489.6 (MANE Select); coding-DNA position 2116, A replaced by T.
Protein change: p.Ser706Cys; replaces serine 706 with cysteine.
Molecular consequence: missense variant.
Genome position (GRCh38, 1-based): chrX:77,683,140, T>A on the plus strand (A>T on the coding strand, the complement: ATRX is on the minus strand). VCF-style: chrX-77683140-T-A. GRCh37 (hg19) VCF-style: chrX-76938632-T-A.
Other names: c.2002A>T, p.Ser668Cys (NM_138270.5); short protein forms S668C, S706C.
Identifiers: ClinVar variation 1316102 (VCV001316102.6), dbSNP rs918710917, ClinGen allele CA331569029.

ClinVar aggregate classification (germline): Uncertain significance. Review status: criteria provided, multiple submitters, no conflicts (2 of 4 stars). 2 submissions from 2 submitters: Uncertain significance (2). Last evaluated 2025-08-15.

Conditions:
Alpha thalassemia-X-linked intellectual disability syndrome (ATRX). Also called: ALPHA-THALASSEMIA/IMPAIRED INTELLECTUAL DEVELOPMENT SYNDROME, X-LINKED; ATR-X syndrome; Alpha thalassemia mental retardation syndrome, nondeletion type, X-linked; XLMR hypotonic face syndrome; ALPHA-THALASSEMIA/MENTAL RETARDATION SYNDROME, X-LINKED; ATR, NONDELETION TYPE. Identifiers: Orphanet 847, MedGen C1845055, MONDO:0010519, OMIM 301040.

Allele frequency attached by ClinVar (database versions not stated): gnomAD 0.00001; TOPMed 0.00002.
gnomAD v4.1: 2 of 1,209,051 alleles (0.00017%); highest among the groups gnomAD compares: African/African-American, 0.0017%; no homozygotes.

Submissions (2):

Labcorp Genetics (formerly Invitae), Labcorp
Classification: Uncertain significance for Alpha thalassemia-X-linked intellectual disability syndrome. Last evaluated: 2025-08-15. Review status: criteria provided, single submitter. Criteria: Invitae Variant Classification Sherloc (09022015). Collection method: clinical testing. Allele origin: germline.
Comment: This sequence change replaces serine, which is neutral and polar, with cysteine, which is neutral and slightly polar, at codon 706 of the ATRX protein (p.Ser706Cys). This variant is not present in population databases (gnomAD no frequency). This variant has not been reported in the literature in individuals affected with ATRX-related conditions. ClinVar contains an entry for this variant (Variation ID: 1316102). Invitae Evidence Modeling of protein sequence and biophysical properties (such as structural, functional, and spatial information, amino acid conservation, physicochemical variation, residue mobility, and thermodynamic stability) indicates that this missense variant is not expected to disrupt ATRX protein function with a negative predictive value of 95%. In summary, the available evidence is currently insufficient to determine the role of this variant in disease. Therefore, it has been classified as a Variant of Uncertain Significance.

GeneDx
Classification: Uncertain significance. Last evaluated: 2022-07-07. Review status: criteria provided, single submitter. Criteria: GeneDx Variant Classification Process June 2021. Collection method: clinical testing. Allele origin: germline. Affected: yes.
Comment: Not observed at significant frequency in large population cohorts (gnomAD); In silico analysis supports that this missense variant does not alter protein structure/function; Has not been previously published as pathogenic or benign to our knowledge